The following is an entry in ClinVar:

ClinVar aggregate classification (germline): Uncertain significance (1 of 4 stars; one submission).

Submission:

GeneDx
Classification: Uncertain significance. Last evaluated: 2025-08-06. Review status: criteria provided, single submitter. Criteria: GeneDx Variant Classification Process June 2021. Collection method: clinical testing. Allele origin: germline. Affected: yes.
Comment: Not observed at significant frequency in large population cohorts (gnomAD); Missense variants in this gene are a common cause of disease and they are underrepresented in the general population; In silico analysis supports that this missense variant has a deleterious effect on protein structure/function; Has not been previously published as pathogenic or benign to our knowledge; Reported using an alternate transcript of the gene

NM_033360.4(KRAS):c.563T>A (p.Ile188Lys)

Gene: KRAS (KRAS proto-oncogene, GTPase; minus strand). Cytogenetic location: 12p12.1.
Variant type: single nucleotide variant.
Coding change: c.563T>A on transcript NM_033360.4 (MANE Plus Clinical); coding-DNA position 563, T replaced by A.
Protein change: p.Ile188Lys; replaces isoleucine 188 with lysine.
Molecular consequence: missense variant. On other transcripts: intron variant (2).
Genome position (GRCh38, 1-based): chr12:25,215,448, A>T on the plus strand (T>A on the coding strand, the complement: KRAS is on the minus strand). VCF-style: chr12-25215448-A-T. GRCh37 (hg19) VCF-style: chr12-25368382-A-T.
Other names: c.563T>A, p.Ile188Lys (NM_001369786.1); c.451-5537T>A (NM_001369787.1, NM_004985.5); short protein forms I188K.
Identifiers: ClinVar variation 4755786 (VCV004755786.1).